The following is an entry in ClinVar:

ClinVar aggregate classification (germline): Uncertain significance. Review status: criteria provided, multiple submitters, no conflicts (2 of 4 stars). 2 submissions from 2 submitters: Uncertain significance (2). Last evaluated 2017-09-27.

Conditions:
Hereditary cancer-predisposing syndrome. Also called: Hereditary Cancer Syndrome; Hereditary neoplastic syndrome; Neoplastic Syndromes, Hereditary; Tumor predisposition. Identifiers: Orphanet 140162, MedGen C0027672, MeSH D009386, MONDO:0015356.
Rhabdoid tumor predisposition syndrome 2 (RTPS2). Identifiers: Orphanet 231108, Orphanet 69077, MedGen C2750074, MONDO:0013224, OMIM 613325.

Allele frequency attached by ClinVar (database versions not stated): gnomAD 0.00001.
gnomAD v4.1: 1 of 1,551,820 alleles (0.000064%); highest among the groups gnomAD compares: Admixed American, 0.002%; no homozygotes.

Submissions (2):

Ambry Genetics
Classification: Uncertain significance for Hereditary cancer-predisposing syndrome. Last evaluated: 2017-09-27. Review status: criteria provided, single submitter. Criteria: Ambry Variant Classification Scheme 2023. Collection method: clinical testing. Allele origin: germline.
Comment: The p.M217R variant (also known as c.650T>G), located in coding exon 3 of the SMARCA4 gene, results from a T to G substitution at nucleotide position 650. The methionine at codon 217 is replaced by arginine, an amino acid with similar properties. This amino acid position is well conserved in available vertebrate species. In addition, the in silico prediction for this alteration is inconclusive. Since supporting evidence is limited at this time, the clinical significance of this alteration remains unclear.

Labcorp Genetics (formerly Invitae), Labcorp
Classification: Uncertain significance for Rhabdoid tumor predisposition syndrome 2. Last evaluated: 2016-07-21. Review status: criteria provided, single submitter. Criteria: Invitae Variant Classification Sherloc (09022015). Collection method: clinical testing. Allele origin: germline.
Comment: This sequence change replaces methionine with arginine at codon 217 of the SMARCA4 protein (p.Met217Arg). The methionine residue is highly conserved and there is a moderate physicochemical difference between methionine and arginine. This variant is not present in population databases (ExAC no frequency) and has not been reported in the literature in individuals with a SMARCA4-related disease. Algorithms developed to predict the effect of missense changes on protein structure and function do not agree on the potential impact of this missense change (SIFT: "Deleterious"; PolyPhen-2: "Benign"; Align-GVGD: "Class C55"). In summary, this variant is a novel missense change with uncertain impact on protein function. It has been classified as a Variant of Uncertain Significance.

NM_003072.5(SMARCA4):c.650T>G (p.Met217Arg)

Gene: SMARCA4 (SWI/SNF related BAF chromatin remodeling complex subunit ATPase 4; plus strand). Cytogenetic location: 19p13.2.
Variant type: single nucleotide variant.
Coding change: c.650T>G on transcript NM_003072.5 (MANE Select); coding-DNA position 650, T replaced by G.
Protein change: p.Met217Arg; replaces methionine 217 with arginine.
Molecular consequence: missense variant. On other transcripts: non-coding transcript variant (1).
Genome position (GRCh38, 1-based): chr19:10,986,483, T>G. VCF-style: chr19-10986483-T-G. GRCh37 (hg19) VCF-style: chr19-11097159-T-G.
Other names: c.650T>G, p.Met217Arg (NM_001128844.3, NM_001128845.2, NM_001128846.2 and 5 more transcripts); short protein forms M217R.
Identifiers: ClinVar variation 408616 (VCV000408616.11), dbSNP rs1060502066, ClinGen allele CA16616094.